The following is an entry in ClinVar:

ClinVar aggregate classification (germline): Uncertain significance. Review status: criteria provided, multiple submitters, no conflicts (2 of 4 stars). 2 submissions from 2 submitters: Uncertain significance (2). Last evaluated 2023-02-01.

Conditions:
Inborn genetic diseases. Identifiers: MedGen C0950123, MeSH D030342.
Neuropathy, hereditary sensory and autonomic, type 2A (HSAN2A). Also called: MORVAN DISEASE; NEUROPATHY, CONGENITAL SENSORY; NEUROPATHY, HEREDITARY SENSORY RADICULAR, AUTOSOMAL RECESSIVE; NEUROPATHY, HEREDITARY SENSORY, TYPE IIA; NEUROPATHY, PROGRESSIVE SENSORY, OF CHILDREN; ACROOSTEOLYSIS, GIACCAI TYPE. Identifiers: Orphanet 970, MedGen C2752089, MONDO:0024309, OMIM 201300.
Pseudohypoaldosteronism type 2C (PHA2C). Also called: Pseudohypoaldosteronism Type IIC. Identifiers: Orphanet 757, Orphanet 88940, MedGen C1840391, MONDO:0013778, OMIM 614492.

Allele frequency attached by ClinVar (database versions not stated): TOPMed 0.00001; gnomAD 0.00001; gnomAD exomes 0.00001.
gnomAD v4.1: 9 of 1,613,870 alleles (0.00056%); highest among the groups gnomAD compares: African/African-American, 0.0027%; no homozygotes.

Submissions (2):

Labcorp Genetics (formerly Invitae), Labcorp
Classification: Uncertain significance for Neuropathy, hereditary sensory and autonomic, type 2A; Pseudohypoaldosteronism type 2C. Last evaluated: 2023-02-01. Review status: criteria provided, single submitter. Criteria: Invitae Variant Classification Sherloc (09022015). Collection method: clinical testing. Allele origin: germline.
Comment: In summary, the available evidence is currently insufficient to determine the role of this variant in disease. Therefore, it has been classified as a Variant of Uncertain Significance. Advanced modeling of protein sequence and biophysical properties (such as structural, functional, and spatial information, amino acid conservation, physicochemical variation, residue mobility, and thermodynamic stability) performed at Invitae indicates that this missense variant is not expected to disrupt WNK1 protein function. ClinVar contains an entry for this variant (Variation ID: 1730740). This variant has not been reported in the literature in individuals affected with WNK1-related conditions. This variant is present in population databases (no rsID available, gnomAD 0.007%). This sequence change replaces glycine, which is neutral and non-polar, with arginine, which is basic and polar, at codon 1124 of the WNK1 protein (p.Gly1124Arg).

Ambry Genetics
Classification: Uncertain significance for Inborn genetic diseases. Last evaluated: 2019-12-30. Review status: criteria provided, single submitter. Criteria: Ambry Variant Classification Scheme 2023. Collection method: clinical testing. Allele origin: germline.
Comment: The p.G1124R variant (also known as c.3370G>A), located in coding exon 10 of the WNK1 gene, results from a G to A substitution at nucleotide position 3370. The glycine at codon 1124 is replaced by arginine, an amino acid with dissimilar properties. This amino acid position is not well conserved in available vertebrate species. In addition, this alteration is predicted to be tolerated by in silico analysis. Since supporting evidence is limited at this time, the clinical significance of this alteration remains unclear.

NM_213655.5(WNK1):c.3370G>A (p.Gly1124Arg)

Gene: WNK1 (WNK lysine deficient protein kinase 1; plus strand). Cytogenetic location: 12p13.33.
Variant type: single nucleotide variant.
Coding change: c.3370G>A on transcript NM_213655.5 (MANE Plus Clinical); coding-DNA position 3370, G replaced by A.
Protein change: p.Gly1124Arg; replaces glycine 1124 with arginine.
Molecular consequence: missense variant. On other transcripts: intron variant (2).
Genome position (GRCh38, 1-based): chr12:868,841, G>A. VCF-style: chr12-868841-G-A. GRCh37 (hg19) VCF-style: chr12-978007-G-A.
Other names: c.3115G>A, p.Gly1039Arg (NM_001184985.2); c.2140-2424G>A (NM_018979.4, NM_014823.3); short protein forms G1124R, G1039R.
Identifiers: ClinVar variation 1730740 (VCV001730740.5), dbSNP rs1277687516, ClinGen allele CA383341953.